The following is an entry in ClinVar:

NM_004036.5(ADCY3):c.1297G>A (p.Asp433Asn)

Gene: ADCY3 (adenylate cyclase 3; minus strand). Cytogenetic location: 2p23.3.
Variant type: single nucleotide variant.
Coding change: c.1297G>A on transcript NM_004036.5 (MANE Select); coding-DNA position 1297, G replaced by A.
Protein change: p.Asp433Asn; replaces aspartic acid 433 with asparagine.
Molecular consequence: missense variant.
Genome position (GRCh38, 1-based): chr2:24,839,931, C>T on the plus strand (G>A on the coding strand, the complement: ADCY3 is on the minus strand). VCF-style: chr2-24839931-C-T. GRCh37 (hg19) VCF-style: chr2-25062800-C-T.
Other names: c.1297G>A, p.Asp433Asn (NM_001320613.2, NM_001377128.1, NM_001377129.1 and 2 more transcripts); c.574G>A, p.Asp192Asn (NM_001377131.1); short protein forms D192N, D433N.
Identifiers: ClinVar variation 4980021 (VCV004980021.1).

ClinVar aggregate classification (germline): Uncertain significance (1 of 4 stars; one submission).

Conditions:
ADCY3-related disorder. Also called: ADCY3-related condition.

gnomAD v4.1: 3 of 1,613,752 alleles (0.00019%); highest among the groups gnomAD compares: African/African-American, 0.0013%; no homozygotes.

Submission:

PreventionGenetics, part of Exact Sciences
Classification: Uncertain significance for ADCY3-related condition. Last evaluated: 2026-08-23. Review status: criteria provided, single submitter. Criteria: ACMG Guidelines, 2015. Collection method: clinical testing. Allele origin: germline.
Comment: The ADCY3 c.1297G>A variant is predicted to result in the amino acid substitution p.Asp433Asn. To our knowledge, this variant has not been reported in the literature or in a large population database (gnomAD), indicating this variant is rare. At this time, the clinical significance of this variant is uncertain due to the absence of conclusive functional and genetic evidence.